The following is an entry in ClinVar:

ClinVar aggregate classification (germline): Uncertain significance (1 of 4 stars; one submission).

Allele frequency attached by ClinVar (database versions not stated): gnomAD exomes 0.00004; ExAC 0.00005; ESP Exome Variant Server 0.00008.

Submission:

Labcorp Genetics (formerly Invitae), Labcorp
Classification: Uncertain significance. Last evaluated: 2024-08-08. Review status: criteria provided, single submitter. Criteria: Invitae Variant Classification Sherloc (09022015). Collection method: clinical testing. Allele origin: germline.
Comment: This sequence change replaces proline, which is neutral and non-polar, with leucine, which is neutral and non-polar, at codon 198 of the PALM protein (p.Pro198Leu). This variant is present in population databases (rs145774078, gnomAD 0.008%). This variant has not been reported in the literature in individuals affected with PALM-related conditions. ClinVar contains an entry for this variant (Variation ID: 1435806). An algorithm developed to predict the effect of missense changes on protein structure and function outputs the following: PolyPhen-2: "Benign". The leucine amino acid residue is found in multiple mammalian species, which suggests that this missense change does not adversely affect protein function. In summary, the available evidence is currently insufficient to determine the role of this variant in disease. Therefore, it has been classified as a Variant of Uncertain Significance.

NM_002579.3(PALM):c.593C>T (p.Pro198Leu)

Gene: PALM (paralemmin; plus strand). Cytogenetic location: 19p13.3.
Variant type: single nucleotide variant.
Coding change: c.593C>T on transcript NM_002579.3 (MANE Select); coding-DNA position 593, C replaced by T.
Protein change: p.Pro198Leu; replaces proline 198 with leucine.
Molecular consequence: missense variant. On other transcripts: intron variant (1).
Genome position (GRCh38, 1-based): chr19:740,442, C>T. VCF-style: chr19-740442-C-T. GRCh37 (hg19) VCF-style: chr19-740442-C-T.
Other names: c.502+4364C>T (NM_001040134.2); short protein forms P198L.
Identifiers: ClinVar variation 1435806 (VCV001435806.8), dbSNP rs145774078, ClinGen allele CA9022697.